The following is an entry in ClinVar:

ClinVar aggregate classification (germline): Conflicting classifications of pathogenicity. Review status: criteria provided, conflicting classifications (1 of 4 stars). 3 submissions from 3 submitters: Likely pathogenic (1); Uncertain significance (2). Last evaluated 2024-11-14.

Conditions:
Intellectual developmental disorder, autosomal recessive 65. Also called: Intellectual disability, autosomal recessive 65; MENTAL RETARDATION, AUTOSOMAL RECESSIVE 65. Identifiers: MedGen C4748219, MONDO:0020850, OMIM 618109.

Allele frequency attached by ClinVar (database versions not stated): 1000 Genomes Project 0.00040; gnomAD 0.00010 and 0.00009; TOPMed 0.00011; 1000 Genomes Project 30x 0.00031.
gnomAD v4.1: 69 of 1,613,912 alleles (0.0043%); highest among the groups gnomAD compares: East Asian, 0.11%; no homozygotes.

Submissions (5):

Revvity Omics, Revvity
Classification: Uncertain significance for Intellectual developmental disorder, autosomal recessive 65. Last evaluated: 2024-11-14. Review status: criteria provided, single submitter. Criteria: ACMG Guidelines, 2015. Collection method: clinical testing. Allele origin: germline.

New York Genome Center
Classification: Likely pathogenic for Intellectual developmental disorder, autosomal recessive 65. Last evaluated: 2021-01-15. Review status: criteria provided, single submitter. Criteria: NYGC Assertion Criteria 2020. Collection method: clinical testing. Allele origin: inherited. Observed: 1 heterozygote. Study: CSER-NYCKidSeq.

Juno Genomics, Hangzhou Juno Genomics, Inc
Classification: Uncertain significance for Intellectual developmental disorder, autosomal recessive 65. Review status: criteria provided, single submitter. Criteria: ACMG Guidelines, 2015. Collection method: clinical testing. Allele origin: germline.
Comment: Null variant in a gene where loss of function (LOF) is a known mechanism of disease.

Dr. Peter K. Rogan Lab, Western University
No classification provided (evidence only). Condition: Familial cancer of breast. Review status: no classification provided. Collection method: in vitro. Allele origin: not applicable. Functional consequence: retained intron. Not counted in ClinVar's aggregate classification.

Dr. Peter K. Rogan Lab, Western University
No classification provided (evidence only). Condition: Hepatocellular carcinoma. Review status: no classification provided. Collection method: in vitro. Allele origin: not applicable. Functional consequence: retained intron. Not counted in ClinVar's aggregate classification.

NM_006618.5(KDM5B):c.2474+1G>A

Gene: KDM5B (lysine demethylase 5B; minus strand). Cytogenetic location: 1q32.1.
Variant type: single nucleotide variant.
Coding change: c.2474+1G>A on transcript NM_006618.5 (MANE Select); the canonical splice donor site of the intron after coding-DNA position 2474, G replaced by A.
Molecular consequence: splice donor variant.
Genome position (GRCh38, 1-based): chr1:202,742,654, C>T on the plus strand (G>A on the coding strand, the complement: KDM5B is on the minus strand). VCF-style: chr1-202742654-C-T. GRCh37 (hg19) VCF-style: chr1-202711782-C-T.
Other names: NC_000001.10:g.202711782C>T; c.2459+1G>A (NM_001399817.1); c.2339+1G>A (NM_001347591.2); c.2582+1G>A (NM_001314042.2); c.2474+1G>A (NM_006618.4).
Identifiers: ClinVar variation 1324612 (VCV001324612.9), dbSNP rs542983923, ClinGen allele CA1334448.